The following is an entry in ClinVar:

NM_004672.5(MAP3K6):c.744G>A (p.Glu248=)

Gene: MAP3K6 (mitogen-activated protein kinase kinase kinase 6; minus strand). Cytogenetic location: 1p36.11.
Variant type: single nucleotide variant.
Coding change: c.744G>A on transcript NM_004672.5 (MANE Select); coding-DNA position 744, G replaced by A.
Protein change: p.Glu248=; no amino-acid change (glutamic acid 248 retained).
Molecular consequence: synonymous variant.
Genome position (GRCh38, 1-based): chr1:27,364,037, C>T on the plus strand (G>A on the coding strand, the complement: MAP3K6 is on the minus strand). VCF-style: chr1-27364037-C-T. GRCh37 (hg19) VCF-style: chr1-27690528-C-T.
Other names: c.720G>A, p.Glu240= (NM_001297609.2).
Identifiers: ClinVar variation 733211 (VCV000733211.6), dbSNP rs373458406, ClinGen allele CA714011.

ClinVar aggregate classification (germline): Likely benign. Review status: criteria provided, multiple submitters, no conflicts (2 of 4 stars). 3 submissions from 3 submitters: Likely benign (2). 1 of the submissions does not count toward it. Last evaluated 2018-07-02.

Conditions:
MAP3K6-related disorder. Also called: MAP3K6-related condition.

Allele frequency attached by ClinVar (database versions not stated): gnomAD 0.00006; ESP Exome Variant Server 0.00008; ExAC 0.00009; gnomAD exomes 0.00010; TOPMed 0.00012.
gnomAD v4.1: 110 of 1,612,546 alleles (0.0068%); highest among the groups gnomAD compares: Middle Eastern, 0.049%; no homozygotes.

Submissions (3):

Labcorp Genetics (formerly Invitae), Labcorp
Classification: Likely benign. Last evaluated: 2018-07-02. Review status: criteria provided, single submitter. Criteria: Invitae Variant Classification Sherloc (09022015). Collection method: clinical testing. Allele origin: germline.

Breakthrough Genomics
Classification: Likely benign. Review status: criteria provided, single submitter. Criteria: ACMG Guidelines, 2015. Collection method: not provided. Allele origin: germline. Inheritance: Unknown mechanism. Affected: yes.

PreventionGenetics, part of Exact Sciences
Classification: Likely benign for MAP3K6-related condition. Last evaluated: 2019-04-30. Review status: no assertion criteria provided. Collection method: clinical testing. Allele origin: germline. Not counted in ClinVar's aggregate classification.
Comment: This variant is classified as likely benign based on ACMG/AMP sequence variant interpretation guidelines (Richards et al. 2015 PMID: 25741868, with internal and published modifications).